The following is an entry in ClinVar:

NM_000245.4(MET):c.1348C>G (p.Leu450Val)

Gene: MET (MET proto-oncogene, receptor tyrosine kinase; plus strand). Cytogenetic location: 7q31.2.
Variant type: single nucleotide variant.
Coding change: c.1348C>G on transcript NM_000245.4 (MANE Select); coding-DNA position 1348, C replaced by G.
Protein change: p.Leu450Val; replaces leucine 450 with valine.
Molecular consequence: missense variant.
Genome position (GRCh38, 1-based): chr7:116,731,815, C>G. VCF-style: chr7-116731815-C-G. GRCh37 (hg19) VCF-style: chr7-116371869-C-G.
Other names: c.1348C>G, p.Leu450Val (NM_001127500.3, NM_001324401.3); c.58C>G, p.Leu20Val (NM_001324402.2); short protein forms L450V, L20V.
Identifiers: ClinVar variation 2756537 (VCV002756537.3), dbSNP rs1793018571, ClinGen allele CA368972991.
Genomic context (GRCh38, chr7:116,731,815, plus strand): 5'-TTCATGGGTCAATTCAGCGAAGTCCTCTTAACATCTATATCCACCTTCATTAAAGGAGAC[C>G]TCACCATAGCTAATCTTGGGACATCAGAGGGTCGCTTCATGCAGGTAAGTGCTTTCTGAG-3'
Protein context (NP_000236.2, residues 440-460): TSISTFIKGD[Leu450Val]TIANLGTSEG

ClinVar aggregate classification (germline): Uncertain significance (1 of 4 stars; one submission).

Conditions:
Renal cell carcinoma. Identifiers: Orphanet 217071, MedGen C0007134, MeSH D002292, MONDO:0005086, HP:0005584.

Submission:

Labcorp Genetics (formerly Invitae), Labcorp
Classification: Uncertain significance for Renal cell carcinoma. Last evaluated: 2023-06-02. Review status: criteria provided, single submitter. Criteria: Invitae Variant Classification Sherloc (09022015). Collection method: clinical testing. Allele origin: germline.
Comment: In summary, the available evidence is currently insufficient to determine the role of this variant in disease. Therefore, it has been classified as a Variant of Uncertain Significance. Advanced modeling of protein sequence and biophysical properties (such as structural, functional, and spatial information, amino acid conservation, physicochemical variation, residue mobility, and thermodynamic stability) performed at Invitae indicates that this missense variant is not expected to disrupt MET protein function. This variant has not been reported in the literature in individuals affected with MET-related conditions. This variant is not present in population databases (gnomAD no frequency). This sequence change replaces leucine, which is neutral and non-polar, with valine, which is neutral and non-polar, at codon 450 of the MET protein (p.Leu450Val).